The following is an entry in ClinVar:

NM_006164.5(NFE2L2):c.1157del (p.Gly386fs)

Gene: NFE2L2 (NFE2 like bZIP transcription factor 2; minus strand). Cytogenetic location: 2q31.2.
Variant type: Deletion.
Coding change: c.1157del on transcript NM_006164.5 (MANE Select); coding-DNA position 1157, one base deleted (G; older notation c.1157delG).
Protein change: p.Gly386fs; shifts the reading frame from glycine 386.
Molecular consequence: frameshift variant.
Genome position (GRCh38, 1-based): chr2:177,231,446, C deleted on the plus strand (G on the coding strand, the reverse complement: NFE2L2 is on the minus strand); the first of 2 consecutive C bases (chr2:177,231,446-177,231,447); deleting either gives the same sequence. VCF-style (leftmost placement, unchanged base first): chr2-177231445-TC-T. GRCh37 (hg19) VCF-style: chr2-178096173-TC-T.
Other names: c.1109del, p.Gly370fs (NM_001145412.3, NM_001313900.1, NM_001313901.1); c.1088del, p.Gly363fs (NM_001145413.3); c.1067del, p.Gly356fs (NM_001313902.2); c.938del, p.Gly313fs (NM_001313903.2); c.857del, p.Gly286fs (NM_001313904.1); short protein forms G286fs, G363fs, G370fs, G386fs, G313fs, G356fs.
Identifiers: ClinVar variation 3657092 (VCV003657092.2).

ClinVar aggregate classification (germline): Uncertain significance (1 of 4 stars; one submission).

Submission:

Labcorp Genetics (formerly Invitae), Labcorp
Classification: Uncertain significance. Last evaluated: 2024-06-19. Review status: criteria provided, single submitter. Criteria: Invitae Variant Classification Sherloc (09022015). Collection method: clinical testing. Allele origin: germline.
Comment: This sequence change creates a premature translational stop signal (p.Gly386Glufs*47) in the NFE2L2 gene. While this is not anticipated to result in nonsense mediated decay, it is expected to disrupt the last 220 amino acid(s) of the NFE2L2 protein. This variant is not present in population databases (gnomAD no frequency). This variant has not been reported in the literature in individuals affected with NFE2L2-related conditions. Experimental studies and prediction algorithms are not available or were not evaluated, and the functional significance of this variant is currently unknown. In summary, the available evidence is currently insufficient to determine the role of this variant in disease. Therefore, it has been classified as a Variant of Uncertain Significance.